The following is an entry in ClinVar:

NM_006206.6(PDGFRA):c.3230G>A (p.Gly1077Asp)

Gene: PDGFRA (platelet derived growth factor receptor alpha; plus strand). Cytogenetic location: 4q12.
Variant type: single nucleotide variant.
Coding change: c.3230G>A on transcript NM_006206.6 (MANE Select); coding-DNA position 3230, G replaced by A.
Protein change: p.Gly1077Asp; replaces glycine 1077 with aspartic acid.
Molecular consequence: missense variant.
Genome position (GRCh38, 1-based): chr4:54,295,232, G>A. VCF-style: chr4-54295232-G-A. GRCh37 (hg19) VCF-style: chr4-55161399-G-A.
Other names: c.3305G>A, p.Gly1102Asp (NM_001347828.2); c.3230G>A, p.Gly1077Asp (NM_001347829.2); c.3269G>A, p.Gly1090Asp (NM_001347830.2); short protein forms G1090D, G1102D, G1077D.
Identifiers: ClinVar variation 823239 (VCV000823239.6), dbSNP rs1577755841, ClinGen allele CA356896679.

ClinVar aggregate classification (germline): Uncertain significance. Review status: criteria provided, multiple submitters, no conflicts (2 of 4 stars). 2 submissions from 2 submitters: Uncertain significance (2). Last evaluated 2024-02-16.

Conditions:
Gastrointestinal stromal tumor. Also called: Gastrointestinal stromal tumor, somatic; Gastrointestinal stroma tumor. Identifiers: Orphanet 44890, MedGen C0238198, MeSH D046152, MONDO:0011719, OMIM 606764, HP:0100723.
Hereditary cancer-predisposing syndrome. Also called: Neoplastic Syndromes, Hereditary; Hereditary Cancer Syndrome; Hereditary neoplastic syndrome; Tumor predisposition. Identifiers: Orphanet 140162, MedGen C0027672, MeSH D009386, MONDO:0015356.

Submissions (2):

Labcorp Genetics (formerly Invitae), Labcorp
Classification: Uncertain significance for Gastrointestinal stromal tumor. Last evaluated: 2024-02-16. Review status: criteria provided, single submitter. Criteria: Invitae Variant Classification Sherloc (09022015). Collection method: clinical testing. Allele origin: germline.
Comment: This sequence change replaces glycine, which is neutral and non-polar, with aspartic acid, which is acidic and polar, at codon 1077 of the PDGFRA protein (p.Gly1077Asp). This variant is not present in population databases (gnomAD no frequency). This variant has not been reported in the literature in individuals affected with PDGFRA-related conditions. ClinVar contains an entry for this variant (Variation ID: 823239). An algorithm developed to predict the effect of missense changes on protein structure and function (PolyPhen-2) suggests that this variant is likely to be disruptive. In summary, the available evidence is currently insufficient to determine the role of this variant in disease. Therefore, it has been classified as a Variant of Uncertain Significance.

Ambry Genetics
Classification: Uncertain significance for Hereditary cancer-predisposing syndrome. Last evaluated: 2023-12-22. Review status: criteria provided, single submitter. Criteria: Ambry Variant Classification Scheme 2023. Collection method: clinical testing. Allele origin: germline.
Comment: The p.G1077D variant (also known as c.3230G>A), located in coding exon 22 of the PDGFRA gene, results from a G to A substitution at nucleotide position 3230. The glycine at codon 1077 is replaced by aspartic acid, an amino acid with similar properties. This amino acid position is well conserved in available vertebrate species. In addition, this alteration is predicted to be tolerated by in silico analysis. Since supporting evidence is limited at this time, the clinical significance of this alteration remains unclear.